The following is an entry in ClinVar:

ClinVar aggregate classification (germline): Pathogenic (3 of 4 stars; one submission).

Conditions:
RPGR-related retinopathy. Also called: RPGR retinopathy. Identifiers: MedGen CN305589, MONDO:0100437.

Submission:

ClinGen X-linked Inherited Retinal Disease Variant Curation Expert Panel, ClinGen
Classification: Pathogenic for RPGR-related retinopathy. Last evaluated: 2025-09-07. Review status: reviewed by expert panel. Criteria: ClinGen X LinkedIRD ACMG Specifications RPGR V1.0.0. Collection method: curation. Allele origin: germline. Inheritance: X-linked inheritance.
Comment: NM_001034853.2(RPGR):c.530dup (p.Ser178LysfsTer2) is a frameshift variant due to 1-nucleotide duplication resulting in a premature stop codon after 2 amino acids within exon 6 of 15, which is predicted to trigger nonsense-mediated decay (PVS1). This variant is absent from gnomAD v4.1.0 (PM2_Supporting). At least one proband harboring this variant exhibits a phenotype including early onset (1 pt), family history consistent with X-linked inheritance (2 pts), night blindness (0.5 pts), reduced visual acuity (0.5 pts), attenuated retinal arteries, pigment deposits (0.5 pts), and extinguished electroretinogram responses, which together are specific for RPGR-related retinopathy (4.5 points, PMID: 24938718, PP4). The variant has been reported to segregate with retinal dystrophy through at least 1 affected meiosis from 1 family, which was not sufficient to meet the PP1 code (PMID: 24938718). In summary, this variant is classified as pathogenic for RPGR-related retinopathy based on the ClinGen X-linked Inherited Retinal Disease Expert Panel Specifications to the ACMG/AMP Variant Interpretation Guidelines for RPGR Version 1.0.0; PVS1, PM2_supporting, and PP4.

NM_001034853.2(RPGR):c.530dup (p.Ser178fs)

Gene: RPGR (retinitis pigmentosa GTPase regulator; minus strand). Cytogenetic location: Xp11.4.
Variant type: Duplication.
Coding change: c.530dup on transcript NM_001034853.2 (MANE Select); coding-DNA position 530, one base duplicated (T; older notation c.530dupT).
Protein change: p.Ser178fs; shifts the reading frame from serine 178.
Molecular consequence: frameshift variant. On other transcripts: non-coding transcript variant (5).
Genome position (GRCh38, 1-based): chrX:38,317,405, A duplicated on the plus strand (T on the coding strand, the reverse complement: RPGR is on the minus strand). VCF-style (leftmost placement, unchanged base first): chrX-38317404-T-TA. GRCh37 (hg19) VCF-style: chrX-38176657-T-TA.
Other names: NM_001034853.2:c.530dup; c.530dup, p.Ser178fs (NM_000328.3, NM_001367245.1, NM_001367246.1 and 3 more transcripts); c.560dup, p.Ser188fs (NM_001367248.1); c.527dup, p.Ser177fs (NM_001367249.1); short protein forms S177fs, S178fs, S188fs.
Identifiers: ClinVar variation 4082182 (VCV004082182.1).